The following is an entry in ClinVar:

NM_021922.3(FANCE):c.1249A>C (p.Thr417Pro)

Gene: FANCE (FA complementation group E; plus strand). Cytogenetic location: 6p21.31.
Variant type: single nucleotide variant.
Coding change: c.1249A>C on transcript NM_021922.3 (MANE Select); coding-DNA position 1249, A replaced by C.
Protein change: p.Thr417Pro; replaces threonine 417 with proline.
Molecular consequence: missense variant.
Genome position (GRCh38, 1-based): chr6:35,459,693, A>C. VCF-style: chr6-35459693-A-C. GRCh37 (hg19) VCF-style: chr6-35427470-A-C.
Other names: c.1249A>C, p.Thr417Pro (NM_001410876.1); short protein forms T417P.
Identifiers: ClinVar variation 3707638 (VCV003707638.3).
Genomic context (GRCh38, chr6:35,459,693, plus strand): 5'-TCTTCTGCCATTTCCCCCCAGACTTCCCCTTCTGCTGTCCTCTACCCAGGTCCTGCTCAA[A>C]CAGAGTTACTGTGTTGCCTTGTGAAGATGGAGTCCCTGGAGCCAGATGCACAGGTTCTAA-3'
Protein context (NP_068741.1, residues 407-427): LQAPGTGPAQ[Thr417Pro]ELLCCLVKME

ClinVar aggregate classification (germline): Uncertain significance. Review status: criteria provided, multiple submitters, no conflicts (2 of 4 stars). 2 submissions from 2 submitters: Uncertain significance (2). Last evaluated 2025-09-26.

Conditions:
Inborn genetic diseases. Identifiers: MedGen C0950123, MeSH D030342.
Fanconi anemia complementation group E (FANCE). Also called: FANCE-Related Fanconi Anemia. Identifiers: Orphanet 84, MedGen C3160739, MONDO:0010953, OMIM 600901.

gnomAD v4.1: 9 of 1,614,008 alleles (0.00056%); highest among the groups gnomAD compares: Non-Finnish European, 0.00076%; no homozygotes.

Submissions (2):

Ambry Genetics
Classification: Uncertain significance for Inborn genetic diseases. Last evaluated: 2025-09-26. Review status: criteria provided, single submitter. Criteria: Ambry Variant Classification Scheme 2023. Collection method: clinical testing. Allele origin: germline.

Labcorp Genetics (formerly Invitae), Labcorp
Classification: Uncertain significance for Fanconi anemia complementation group E. Last evaluated: 2024-11-28. Review status: criteria provided, single submitter. Criteria: Invitae Variant Classification Sherloc (09022015). Collection method: clinical testing. Allele origin: germline.
Comment: This sequence change replaces threonine, which is neutral and polar, with proline, which is neutral and non-polar, at codon 417 of the FANCE protein (p.Thr417Pro). This variant is not present in population databases (gnomAD no frequency). This variant has not been reported in the literature in individuals affected with FANCE-related conditions. Invitae Evidence Modeling of protein sequence and biophysical properties (such as structural, functional, and spatial information, amino acid conservation, physicochemical variation, residue mobility, and thermodynamic stability) indicates that this missense variant is expected to disrupt FANCE protein function with a positive predictive value of 80%. In summary, the available evidence is currently insufficient to determine the role of this variant in disease. Therefore, it has been classified as a Variant of Uncertain Significance.